The following is an entry in ClinVar:

NM_020297.4(ABCC9):c.2111T>C (p.Val704Ala)

Gene: ABCC9 (ATP binding cassette subfamily C member 9; minus strand). Cytogenetic location: 12p12.1.
Variant type: single nucleotide variant.
Coding change: c.2111T>C on transcript NM_020297.4 (MANE Select); coding-DNA position 2111, T replaced by C.
Protein change: p.Val704Ala; replaces valine 704 with alanine.
Molecular consequence: missense variant.
Genome position (GRCh38, 1-based): chr12:21,872,712, A>G on the plus strand (T>C on the coding strand, the complement: ABCC9 is on the minus strand). VCF-style: chr12-21872712-A-G. GRCh37 (hg19) VCF-style: chr12-22025646-A-G.
Other names: c.2111T>C, p.Val704Ala (NM_005691.4, NM_001377273.1); c.1247T>C, p.Val416Ala (NM_001377274.1); short protein forms V416A, V704A.
Identifiers: ClinVar variation 3712745 (VCV003712745.2).

ClinVar aggregate classification (germline): Uncertain significance (1 of 4 stars; one submission).

Conditions:
Dilated cardiomyopathy 1O (CMD1O). Also called: CARDIOMYOPATHY, DILATED, WITH VENTRICULAR TACHYCARDIA. Identifiers: Orphanet 154, MedGen C1837839, MONDO:0012062, OMIM 608569.

Submission:

Labcorp Genetics (formerly Invitae), Labcorp
Classification: Uncertain significance for Dilated cardiomyopathy 1O. Last evaluated: 2025-01-08. Review status: criteria provided, single submitter. Criteria: Invitae Variant Classification Sherloc (09022015). Collection method: clinical testing. Allele origin: germline.
Comment: This sequence change replaces valine, which is neutral and non-polar, with alanine, which is neutral and non-polar, at codon 704 of the ABCC9 protein (p.Val704Ala). This variant is not present in population databases (gnomAD no frequency). This variant has not been reported in the literature in individuals affected with ABCC9-related conditions. Invitae Evidence Modeling of protein sequence and biophysical properties (such as structural, functional, and spatial information, amino acid conservation, physicochemical variation, residue mobility, and thermodynamic stability) indicates that this missense variant is expected to disrupt ABCC9 protein function with a positive predictive value of 80%. In summary, the available evidence is currently insufficient to determine the role of this variant in disease. Therefore, it has been classified as a Variant of Uncertain Significance.